The following is an entry in ClinVar:

NM_080680.3(COL11A2):c.3547G>A (p.Gly1183Arg)

Gene: COL11A2 (collagen type XI alpha 2 chain; minus strand). Cytogenetic location: 6p21.32.
Variant type: single nucleotide variant.
Coding change: c.3547G>A on transcript NM_080680.3 (MANE Select); coding-DNA position 3547, G replaced by A.
Protein change: p.Gly1183Arg; replaces glycine 1183 with arginine.
Molecular consequence: missense variant.
Genome position (GRCh38, 1-based): chr6:33,170,361, C>T on the plus strand (G>A on the coding strand, the complement: COL11A2 is on the minus strand). VCF-style: chr6-33170361-C-T. GRCh37 (hg19) VCF-style: chr6-33138138-C-T.
Other names: c.3226G>A, p.Gly1076Arg (NM_080679.3); c.3289G>A, p.Gly1097Arg (NM_080681.3); short protein forms G1183R, G1097R, G1076R.
Identifiers: ClinVar variation 1429653 (VCV001429653.8), dbSNP rs1169845250, ClinGen allele CA363629751.

ClinVar aggregate classification (germline): Uncertain significance (1 of 4 stars; one submission).

Allele frequency attached by ClinVar (database versions not stated): gnomAD exomes below 0.00001; TOPMed 0.00001; gnomAD 0.00002.
gnomAD v4.1: 4 of 1,613,822 alleles (0.00025%); highest among the groups gnomAD compares: African/African-American, 0.0053%; no homozygotes.

Submission:

Labcorp Genetics (formerly Invitae), Labcorp
Classification: Uncertain significance. Last evaluated: 2020-12-23. Review status: criteria provided, single submitter. Criteria: Invitae Variant Classification Sherloc (09022015). Collection method: clinical testing. Allele origin: germline.
Comment: In summary, the available evidence is currently insufficient to determine the role of this variant in disease. Therefore, it has been classified as a Variant of Uncertain Significance. Algorithms developed to predict the effect of sequence changes on RNA splicing suggest that this variant may create or strengthen a splice site, but this prediction has not been confirmed by published transcriptional studies. Advanced modeling of protein sequence and biophysical properties (such as structural, functional, and spatial information, amino acid conservation, physicochemical variation, residue mobility, and thermodynamic stability) performed at Invitae indicates that this missense variant is expected to disrupt COL11A2 protein function. This variant has not been reported in the literature in individuals with COL11A2-related conditions. This variant is not present in population databases (ExAC no frequency). This sequence change replaces glycine with arginine at codon 1183 of the COL11A2 protein (p.Gly1183Arg). The glycine residue is highly conserved and there is a moderate physicochemical difference between glycine and arginine.